The following is an entry in ClinVar:

NM_001355436.2(SPTB):c.3856-9T>G

Gene: SPTB (spectrin beta, erythrocytic; minus strand). Cytogenetic location: 14q23.3.
Variant type: single nucleotide variant.
Coding change: c.3856-9T>G on transcript NM_001355436.2 (MANE Select); 9 bases into the intron before coding-DNA position 3856, T replaced by G.
Molecular consequence: intron variant.
Genome position (GRCh38, 1-based): chr14:64,784,402, A>C on the plus strand (T>G on the coding strand, the complement: SPTB is on the minus strand). VCF-style: chr14-64784402-A-C. GRCh37 (hg19) VCF-style: chr14-65251120-A-C.
Other names: c.3856-9T>G (NM_001024858.4, NM_001355437.2).
Identifiers: ClinVar variation 4720600 (VCV004720600.1).

ClinVar aggregate classification (germline): Uncertain significance (1 of 4 stars; one submission).

Submission:

Labcorp Genetics (formerly Invitae), Labcorp
Classification: Uncertain significance. Last evaluated: 2025-08-18. Review status: criteria provided, single submitter. Criteria: Invitae Variant Classification Sherloc (09022015). Collection method: clinical testing. Allele origin: germline.
Comment: This sequence change falls in intron 17 of the SPTB gene. It does not directly change the encoded amino acid sequence of the SPTB protein. This variant is not present in population databases (gnomAD no frequency). This variant has not been reported in the literature in individuals affected with SPTB-related conditions. Algorithms developed to predict the effect of sequence changes on RNA splicing suggest that this variant may disrupt the consensus splice site. In summary, the available evidence is currently insufficient to determine the role of this variant in disease. Therefore, it has been classified as a Variant of Uncertain Significance.